The following is an entry in ClinVar:

ClinVar aggregate classification (germline): Uncertain significance (1 of 4 stars; one submission).

Conditions:
Hereditary cancer-predisposing syndrome. Also called: Neoplastic Syndromes, Hereditary; Tumor predisposition; Hereditary Cancer Syndrome; Hereditary neoplastic syndrome. Identifiers: Orphanet 140162, MedGen C0027672, MeSH D009386, MONDO:0015356.

Submission:

Ambry Genetics
Classification: Uncertain significance for Hereditary cancer-predisposing syndrome. Last evaluated: 2022-09-08. Review status: criteria provided, single submitter. Criteria: Ambry Variant Classification Scheme 2023. Collection method: clinical testing. Allele origin: germline.
Comment: The c.1899+3_1899+6delGAGT intronic variant, located in intron 12 of the CTNNA1 gene, results from a deletion of 4 nucleotides within intron 12 of the CTNNA1 gene. This nucleotide position is not well conserved in available vertebrate species. In silico splice site analysis predicts that this alteration will not have any significant effect on splicing. The evidence for this gene-disease relationship is limited; therefore, the clinical significance of this alteration is unclear.

NM_001903.5(CTNNA1):c.1899+3_1899+6del

Gene: CTNNA1 (catenin alpha 1; plus strand). Cytogenetic location: 5q31.2.
Variant type: Deletion.
Coding change: c.1899+3_1899+6del on transcript NM_001903.5 (MANE Select); bases 3 to 6 of the intron after coding-DNA position 1899, 4 bases deleted (GAGT; older notation c.1899+3_1899+6delGAGT).
Molecular consequence: splice donor variant.
Genome position (GRCh38, 1-based): chr5:138,925,410-138,925,413, GAGT deleted; deleting any 4 consecutive bases within chr5:138,925,408-138,925,413 gives the same sequence; the c. name uses the placement nearest the transcript's 3' end. VCF-style (leftmost placement, unchanged base first): chr5-138925407-GGTGA-G. GRCh37 (hg19) VCF-style: chr5-138261096-GGTGA-G.
Other names: c.1899+3_1899+6del (NM_001323982.2, NM_001323984.2, NM_001290307.3 and 2 more transcripts); c.1806+3_1806+6del (NM_001323986.2); c.1530+3_1530+6del (NM_001290310.3); c.1590+3_1590+6del (NM_001290309.3); c.789+3_789+6del (NM_001323996.1, NM_001323993.1, NM_001324005.1 and 17 more transcripts); c.450+3_450+6del (NM_001324007.1, NM_001324009.1, NM_001324006.1 and 2 more transcripts); c.546+3_546+6del (NM_001324013.1, NM_001324012.1); c.696+3_696+6del (NM_001324011.1).
Identifiers: ClinVar variation 1782211 (VCV001782211.2), dbSNP rs1392801218, ClinGen allele CA563296496.
Genomic context (GRCh38, chr5:138,925,407, plus strand): 5'-TGCTTCCCGCCTGGTATATGATGGCATCCGGGACATCAGGAAAGCAGTGCTGATGATAAG[GGTGA>G]GTAACTGCATTTCAGACGTCTTAACAGCTTCTTTCTTATCATTTGCTAAACTTGAGCAAT-3'